The following is an entry in ClinVar:

ClinVar aggregate classification (germline): Uncertain significance (1 of 4 stars; one submission).

Conditions:
Inborn genetic diseases. Identifiers: MedGen C0950123, MeSH D030342.

Submission:

Ambry Genetics
Classification: Uncertain significance for Inborn genetic diseases. Last evaluated: 2021-09-16. Review status: criteria provided, single submitter. Criteria: Ambry Variant Classification Scheme 2023. Collection method: clinical testing. Allele origin: germline.
Comment: The c.2080-5T>C intronic alteration consists of a T to C substitution 5 nucleotides before exon 12 of the SPATA5 gene. Based on insufficient or conflicting evidence, the clinical significance of this alteration remains unclear.

NM_145207.3(AFG2A):c.2080-5T>C

Gene: AFG2A (AFG2 AAA ATPase homolog A; plus strand). Cytogenetic location: 4q28.1.
Variant type: single nucleotide variant.
Coding change: c.2080-5T>C on transcript NM_145207.3 (MANE Select); 5 bases into the intron before coding-DNA position 2080, T replaced by C.
Molecular consequence: intron variant.
Genome position (GRCh38, 1-based): chr4:123,056,382, T>C. VCF-style: chr4-123056382-T-C. GRCh37 (hg19) VCF-style: chr4-123977537-T-C.
Other names: c.2077-5T>C (NM_001345856.2).
Identifiers: ClinVar variation 2244071 (VCV002244071.3), dbSNP rs2478360601, ClinGen allele CA2580071455.